The following is an entry in ClinVar:

ClinVar aggregate classification (germline): Conflicting classifications of pathogenicity. Review status: criteria provided, conflicting classifications (1 of 4 stars). 2 submissions from 2 submitters: Likely pathogenic, low penetrance (1); Uncertain significance (1). Last evaluated 2025-10-02.

Conditions:
Atypical hemolytic-uremic syndrome. Identifiers: Orphanet 2134, MedGen C2931788, MONDO:0016244.

Submissions (2):

Genomenon, Inc
Classification: Likely pathogenic, low penetrance for Atypical hemolytic-uremic syndrome. Last evaluated: 2025-10-02. Review status: criteria provided, single submitter. Criteria: Genomenon Sequence Variant Interpretation Standards - Updated. Collection method: curation. Allele origin: germline. Affected: yes.
Comment: CFH p.Cys973Tyr (c.2918G>A) is a missense variant that changes the amino acid at residue 973 from Cysteine to Tyrosine. This variant has been observed in at least one proband affected with atypical hemolytic-uremic syndrome (PMID:29500241;16889549). It has been observed in trans with a pathogenic variant (PMID:16889549). Functional studies have been reported (PMID:34189567). It is absent or not present at a significant frequency in gnomAD. In silico models agree that this variant is possibly or probably damaging. In conclusion, we classify CFH p.Cys973Tyr (c.2918G>A) as a likely pathogenic, low penetrance variant.

GeneDx
Classification: Uncertain significance. Last evaluated: 2020-09-16. Review status: criteria provided, single submitter. Criteria: GeneDx Variant Classification Process June 2021. Collection method: clinical testing. Allele origin: germline. Affected: yes.
Comment: Identified in a patient with a second CFH variant on the opposite allele (in trans) in published literature (Saland et al., 2006); Not observed in large population cohorts (Lek et al., 2016); In silico analysis supports that this missense variant has a deleterious effect on protein structure/function; This variant is associated with the following publications: (PMID: 16889549)

Literature cited by the submitters: PubMed 29500241 (cited by Genomenon, Inc); PubMed 16889549 (cited by Genomenon, Inc); PubMed 34189567 (cited by Genomenon, Inc); PubMed 27905547 (cited by Genomenon, Inc); PubMed 25188723 (cited by Genomenon, Inc); PubMed 16968692 (cited by Genomenon, Inc); PubMed 18482212 (cited by Genomenon, Inc); PubMed 34258481 (cited by Genomenon, Inc); PubMed 29686068 (cited by Genomenon, Inc); PubMed 18215115 (cited by Genomenon, Inc); PubMed 17089378 (cited by Genomenon, Inc); PubMed 22170528 (cited by Genomenon, Inc); PubMed 24161037 (cited by Genomenon, Inc); PubMed 19856002 (cited by Genomenon, Inc); PubMed 29215813 (cited by Genomenon, Inc); PubMed 20526633 (cited by Genomenon, Inc); PubMed 16893081 (cited by Genomenon, Inc); PubMed 20090363 (cited by Genomenon, Inc).

NM_000186.4(CFH):c.2918G>A (p.Cys973Tyr)

Gene: CFH (complement factor H; plus strand). Cytogenetic location: 1q31.3.
Variant type: single nucleotide variant.
Coding change: c.2918G>A on transcript NM_000186.4 (MANE Select); coding-DNA position 2918, G replaced by A.
Protein change: p.Cys973Tyr; replaces cysteine 973 with tyrosine.
Molecular consequence: missense variant.
Genome position (GRCh38, 1-based): chr1:196,740,754, G>A. VCF-style: chr1-196740754-G-A. GRCh37 (hg19) VCF-style: chr1-196709884-G-A.
Other names: short protein forms C973Y.
Identifiers: ClinVar variation 1303211 (VCV001303211.4), dbSNP rs1652784548, ClinGen allele CA343981218.